The following is an entry in ClinVar:

ClinVar aggregate classification (germline): Uncertain significance (1 of 4 stars; one submission).

gnomAD v4.1: 1 of 1,610,728 alleles (0.000062%); highest among the groups gnomAD compares: Non-Finnish European, 0.000085%; no homozygotes.

Submission:

Labcorp Genetics (formerly Invitae), Labcorp
Classification: Uncertain significance. Last evaluated: 2025-03-04. Review status: criteria provided, single submitter. Criteria: Invitae Variant Classification Sherloc (09022015). Collection method: clinical testing. Allele origin: germline.
Comment: This sequence change replaces proline, which is neutral and non-polar, with serine, which is neutral and polar, at codon 2255 of the DCHS1 protein (p.Pro2255Ser). This variant is not present in population databases (gnomAD no frequency). This variant has not been reported in the literature in individuals affected with DCHS1-related conditions. Invitae Evidence Modeling of protein sequence and biophysical properties (such as structural, functional, and spatial information, amino acid conservation, physicochemical variation, residue mobility, and thermodynamic stability) indicates that this missense variant is not expected to disrupt DCHS1 protein function with a negative predictive value of 80%. In summary, the available evidence is currently insufficient to determine the role of this variant in disease. Therefore, it has been classified as a Variant of Uncertain Significance.

NM_003737.4(DCHS1):c.6763C>T (p.Pro2255Ser)

Gene: DCHS1 (dachsous cadherin-related 1; minus strand). Cytogenetic location: 11p15.4.
Variant type: single nucleotide variant.
Coding change: c.6763C>T on transcript NM_003737.4 (MANE Select); coding-DNA position 6763, C replaced by T.
Protein change: p.Pro2255Ser; replaces proline 2255 with serine.
Molecular consequence: missense variant.
Genome position (GRCh38, 1-based): chr11:6,625,696, G>A on the plus strand (C>T on the coding strand, the complement: DCHS1 is on the minus strand). VCF-style: chr11-6625696-G-A. GRCh37 (hg19) VCF-style: chr11-6646927-G-A.
Other names: short protein forms P2255S.
Identifiers: ClinVar variation 4703433 (VCV004703433.1).